The following is an entry in ClinVar:

ClinVar aggregate classification (germline): Uncertain significance. Review status: criteria provided, multiple submitters, no conflicts (2 of 4 stars). 3 submissions from 3 submitters: Uncertain significance (3). Last evaluated 2025-09-05.

Conditions:
RYR1-related disorder. Also called: RYR1-related disorders; RYR1-related condition. Identifiers: MedGen CN239331.
Malignant hyperthermia, susceptibility to, 1 (MHS1). Also called: Malignant hyperthermia suceptibility 1; Anesthesia related hyperthermia; Malignant hyperpyrexia; Fulminating hyperpyrexia; Pharmacogenic myopathy; RYR1-Related Malignant Hyperthermia Susceptibility. Identifiers: Orphanet 423, MedGen C2930980, MONDO:0007783, OMIM 145600.

Allele frequency attached by ClinVar (database versions not stated): gnomAD exomes below 0.00001; ExAC 0.00001; gnomAD 0.00001; TOPMed 0.00001.
gnomAD v4.1: 8 of 1,612,922 alleles (0.0005%); highest among the groups gnomAD compares: African/African-American, 0.0027%; no homozygotes.

Submissions (3):

Color Diagnostics, LLC DBA Color Health
Classification: Uncertain significance for Malignant hyperthermia, susceptibility to, 1. Last evaluated: 2025-09-05. Review status: criteria provided, single submitter. Criteria: ACMG Guidelines, 2015. Collection method: clinical testing. Allele origin: germline.
Comment: This missense variant replaces glutamine with arginine at codon 3149 of the RYR1 protein. Computational prediction suggests that this variant may have deleterious impact on protein structure and function. To our knowledge, functional studies have not been reported for this variant. This variant has not been reported in individuals affected with RYR1-related disorders in the literature. This variant has been identified in 5/249824 chromosomes in the general population by the Genome Aggregation Database (gnomAD). The available evidence is insufficient to determine the role of this variant in disease conclusively. Therefore, this variant is classified as a Variant of Uncertain Significance.

Labcorp Genetics (formerly Invitae), Labcorp
Classification: Uncertain significance for RYR1-related disorder. Last evaluated: 2023-10-20. Review status: criteria provided, single submitter. Criteria: Invitae Variant Classification Sherloc (09022015). Collection method: clinical testing. Allele origin: germline.
Comment: This sequence change replaces glutamine, which is neutral and polar, with arginine, which is basic and polar, at codon 3149 of the RYR1 protein (p.Gln3149Arg). This variant is present in population databases (rs754336536, gnomAD 0.004%). This variant has not been reported in the literature in individuals affected with RYR1-related conditions. Advanced modeling of protein sequence and biophysical properties (such as structural, functional, and spatial information, amino acid conservation, physicochemical variation, residue mobility, and thermodynamic stability) has been performed at Invitae for this missense variant, however the output from this modeling did not meet the statistical confidence thresholds required to predict the impact of this variant on RYR1 protein function. In summary, the available evidence is currently insufficient to determine the role of this variant in disease. Therefore, it has been classified as a Variant of Uncertain Significance.

Blueprint Genetics
Classification: Uncertain significance. Last evaluated: 2022-12-30. Review status: criteria provided, single submitter. Criteria: ACMG Guidelines, 2015. Collection method: clinical testing. Allele origin: germline.

NM_000540.3(RYR1):c.9446A>G (p.Gln3149Arg)

Gene: RYR1 (ryanodine receptor 1; plus strand). Cytogenetic location: 19q13.2.
Variant type: single nucleotide variant.
Coding change: c.9446A>G on transcript NM_000540.3 (MANE Select); coding-DNA position 9446, A replaced by G.
Protein change: p.Gln3149Arg; replaces glutamine 3149 with arginine.
Molecular consequence: missense variant.
Genome position (GRCh38, 1-based): chr19:38,512,457, A>G. VCF-style: chr19-38512457-A-G. GRCh37 (hg19) VCF-style: chr19-39003097-A-G.
Other names: c.9446A>G, p.Gln3149Arg (NM_001042723.2); short protein forms Q3149R.
Identifiers: ClinVar variation 2720376 (VCV002720376.4), dbSNP rs754336536, ClinGen allele CA073586.